The following is an entry in ClinVar:

ClinVar aggregate classification (germline): Benign (1 of 4 stars; one submission).

Conditions:
MELAS syndrome (MELAS). Also called: Juvenile myopathy, encephalopathy, lactic acidosis, stroke. Identifiers: Orphanet 550, MedGen C0162671, MONDO:0010789, OMIM 540000.

Submission:

Wong Mito Lab, Molecular and Human Genetics, Baylor College of Medicine
Classification: Benign for MELAS syndrome. Last evaluated: 2019-07-12. Review status: criteria provided, single submitter. Criteria: Modified ACMG Guidelines (Unpublished). Collection method: clinical testing. Allele origin: germline.
Comment: The NC_012920.1:m.15930G>A variant in MT-TT gene is interpreted to be a Benign variant based on the modified ACMG guidelines (unpublished). This variant meets the following evidence codes reported in the guidelines: BA1, BP4

Literature cited by the submitters: PubMed 31965079.

NC_012920.1(MT-TT):m.15930G>A

Gene: MT-TT (mitochondrially encoded tRNA threonine; plus strand).
Variant type: single nucleotide variant.
Genome position: chrM-15930-G-A.
Identifiers: ClinVar variation 690240 (VCV000690240.1), dbSNP rs41441949, ClinGen allele CA337100586.